The following is an entry in ClinVar:

NM_144997.7(FLCN):c.1719A>G (p.Thr573=)

Gene: FLCN (folliculin; minus strand). Cytogenetic location: 17p11.2.
Variant type: single nucleotide variant.
Coding change: c.1719A>G on transcript NM_144997.7 (MANE Select); coding-DNA position 1719, A replaced by G.
Protein change: p.Thr573=; no amino-acid change (threonine 573 retained).
Molecular consequence: synonymous variant.
Genome position (GRCh38, 1-based): chr17:17,213,676, T>C on the plus strand (A>G on the coding strand, the complement: FLCN is on the minus strand). VCF-style: chr17-17213676-T-C. GRCh37 (hg19) VCF-style: chr17-17116990-T-C.
Other names: c.1773A>G, p.Thr591= (NM_001353229.2); c.1719A>G, p.Thr573= (NM_001353230.2, NM_001353231.2).
Identifiers: ClinVar variation 2681946 (VCV002681946.4), dbSNP rs2544121194, ClinGen allele CA498163010.

ClinVar aggregate classification (germline): Conflicting classifications of pathogenicity. Review status: criteria provided, conflicting classifications (1 of 4 stars). 2 submissions from 2 submitters: Uncertain significance (1); Likely benign (1). Last evaluated 2024-08-05.

Conditions:
Birt-Hogg-Dube syndrome. Also called: Birt Hogg Dubé syndrome. Identifiers: Orphanet 122, MedGen C0346010, MONDO:0800444.

Allele frequency attached by ClinVar (database versions not stated): gnomAD exomes below 0.00001.
gnomAD v4.1: 1 of 1,614,156 alleles (0.000062%); highest among the groups gnomAD compares: Admixed American, 0.0017%; no homozygotes.

Submissions (2):

Labcorp Genetics (formerly Invitae), Labcorp
Classification: Likely benign for Birt-Hogg-Dube syndrome. Last evaluated: 2024-08-05. Review status: criteria provided, single submitter. Criteria: Invitae Variant Classification Sherloc (09022015). Collection method: clinical testing. Allele origin: germline.

Quest Diagnostics Nichols Institute San Juan Capistrano
Classification: Uncertain significance. Last evaluated: 2022-10-25. Review status: criteria provided, single submitter. Criteria: Quest Diagnostics criteria. Collection method: clinical testing. Allele origin: unknown.
Comment: This variant has not been reported in the published literature. It also has not been reported in large, multi-ethnic general populations. The variant is not predicted to affect natural splicing. Based on the available information, we are unable to determine the clinical significance of this variant.